The following is an entry in ClinVar:

NM_024306.5(FA2H):c.1039+8T>C

Gene: FA2H (fatty acid 2-hydroxylase; minus strand). Cytogenetic location: 16q23.1.
Variant type: single nucleotide variant.
Coding change: c.1039+8T>C on transcript NM_024306.5 (MANE Select); 8 bases into the intron after coding-DNA position 1039, T replaced by C.
Molecular consequence: intron variant.
Genome position (GRCh38, 1-based): chr16:74,716,339, A>G on the plus strand (T>C on the coding strand, the complement: FA2H is on the minus strand). VCF-style: chr16-74716339-A-G. GRCh37 (hg19) VCF-style: chr16-74750237-A-G.
Other names: p.?.
Identifiers: ClinVar variation 129027 (VCV000129027.27), dbSNP rs6564160, ClinGen allele CA152806.

ClinVar aggregate classification (germline): Benign. Review status: criteria provided, multiple submitters, no conflicts (2 of 4 stars). 10 submissions from 10 submitters: Benign (8). 2 of the submissions do not count toward it. Last evaluated 2026-02-04.

Conditions:
Spastic paraplegia. Identifiers: MedGen C0037772, HP:0001258.
Hereditary spastic paraplegia. Also called: Familial spastic paraparesis. Identifiers: Orphanet 685, MedGen C0037773, MONDO:0019064. Disease mechanism: loss of function.
Hereditary spastic paraplegia 35. Also called: SPASTIC PARAPLEGIA 35, AUTOSOMAL RECESSIVE, WITH OR WITHOUT NEURODEGENERATION; Spastic paraplegia 35; LEUKODYSTROPHY, DYSMYELINATING, AND SPASTIC PARAPARESIS WITH OR WITHOUT DYSTONIA; Spastic paraplegia 35, autosomal recessive. Identifiers: Orphanet 171629, MedGen C3496228, MONDO:0012866, OMIM 612319.

Allele frequency attached by ClinVar (database versions not stated): gnomAD exomes 0.03598 and 0.04192; 1000 Genomes Project 30x 0.09557; gnomAD 0.09790 and 0.09283; ESP Exome Variant Server 0.10049; ExAC 0.04745; 1000 Genomes Project 0.09165; TOPMed 0.10244.
gnomAD v4.1: 67,061 of 1,613,220 alleles (4.2%); highest among the groups gnomAD compares: African/African-American, 26%; 3,509 homozygotes.

Submissions (10):

Labcorp Genetics (formerly Invitae), Labcorp
Classification: Benign for Spastic paraplegia. Last evaluated: 2026-02-04. Review status: criteria provided, single submitter. Criteria: Invitae Variant Classification Sherloc (09022015). Collection method: clinical testing. Allele origin: germline.

Athena Diagnostics
Classification: Benign. Last evaluated: 2023-11-13. Review status: criteria provided, single submitter. Criteria: Athena Diagnostics Criteria. Collection method: clinical testing. Allele origin: unknown.

Illumina Laboratory Services, Illumina
Classification: Benign for Hereditary spastic paraplegia 35. Last evaluated: 2018-01-13. Review status: criteria provided, single submitter. Criteria: ICSL Variant Classification Criteria 13 December 2019. Collection method: clinical testing. Allele origin: germline.
Comment: This variant was observed in the ICSL laboratory as part of a predisposition screen in an ostensibly healthy population. It had not been previously curated by ICSL or reported in the Human Gene Mutation Database (HGMD: prior to June 1st, 2018), and was therefore a candidate for classification through an automated scoring system. Utilizing variant allele frequency, disease prevalence and penetrance estimates, and inheritance mode, an automated score was calculated to assess if this variant is too frequent to cause the disease. Based on the score and internal cut-off values, a variant classified as benign is not then subjected to further curation. The score for this variant resulted in a classification of benign for this disease.

Mayo Clinic Laboratories, Mayo Clinic
Classification: Benign. Last evaluated: 2017-10-05. Review status: criteria provided, single submitter. Criteria: ACMG Guidelines, 2015. Collection method: clinical testing. Allele origin: germline. Observed: 183 variant alleles.

Genome Diagnostics Laboratory, The Hospital for Sick Children
Classification: Benign for Hereditary spastic paraplegia. Last evaluated: 2016-12-12. Review status: criteria provided, single submitter. Criteria: ACMG Guidelines, 2015. Collection method: clinical testing. Allele origin: germline. Affected: yes.

GeneDx
Classification: Benign. Last evaluated: 2016-08-03. Review status: criteria provided, single submitter. Criteria: GeneDx Variant Classification (06012015). Collection method: clinical testing. Allele origin: germline. Affected: yes.
Comment: This variant is considered likely benign or benign based on one or more of the following criteria: it is a conservative change, it occurs at a poorly conserved position in the protein, it is predicted to be benign by multiple in silico algorithms, and/or has population frequency not consistent with disease.

Genetic Services Laboratory, University of Chicago
Classification: Benign for AllHighlyPenetrant. Last evaluated: 2013-08-15. Review status: criteria provided, single submitter. Criteria: ACMG Guidelines, 2007. Collection method: clinical testing. Allele origin: germline. Inheritance: Autosomal recessive inheritance.

Breakthrough Genomics
Classification: Benign. Review status: criteria provided, single submitter. Criteria: ACMG Guidelines, 2015. Collection method: not provided. Allele origin: germline. Inheritance: Autosomal recessive inheritance. Affected: yes.

Genome Diagnostics Laboratory, Amsterdam University Medical Center
Classification: Benign. Review status: no assertion criteria provided. Collection method: clinical testing. Allele origin: germline. Affected: yes. Study: VKGL Data-share Consensus. Not counted in ClinVar's aggregate classification.

Joint Genome Diagnostic Labs from Nijmegen and Maastricht, Radboudumc and MUMC+
Classification: Benign. Review status: no assertion criteria provided. Collection method: clinical testing. Allele origin: germline. Affected: yes. Study: VKGL Data-share Consensus. Not counted in ClinVar's aggregate classification.